The following is an entry in ClinVar:

ClinVar aggregate classification (germline): Uncertain significance (1 of 4 stars; one submission).

Conditions:
Hereditary cancer-predisposing syndrome. Also called: Neoplastic Syndromes, Hereditary; Hereditary Cancer Syndrome; Tumor predisposition; Hereditary neoplastic syndrome. Identifiers: Orphanet 140162, MedGen C0027672, MeSH D009386, MONDO:0015356.

Submission:

Ambry Genetics
Classification: Uncertain significance for Hereditary cancer-predisposing syndrome. Last evaluated: 2025-01-25. Review status: criteria provided, single submitter. Criteria: Ambry Variant Classification Scheme 2023. Collection method: clinical testing. Allele origin: germline.
Comment: The p.D831E variant (also known as c.2493C>A), located in coding exon 16 of the ATM gene, results from a C to A substitution at nucleotide position 2493. The aspartic acid at codon 831 is replaced by glutamic acid, an amino acid with highly similar properties. This amino acid position is conserved. In addition, this alteration is predicted to be tolerated by in silico analysis. Based on the available evidence, the clinical significance of this variant remains unclear.

NM_000051.4(ATM):c.2493C>A (p.Asp831Glu)

Gene: ATM (ATM serine/threonine kinase; plus strand). Cytogenetic location: 11q22.3.
Variant type: single nucleotide variant.
Coding change: c.2493C>A on transcript NM_000051.4 (MANE Select); coding-DNA position 2493, C replaced by A.
Protein change: p.Asp831Glu; replaces aspartic acid 831 with glutamic acid.
Molecular consequence: missense variant.
Genome position (GRCh38, 1-based): chr11:108,267,197, C>A. VCF-style: chr11-108267197-C-A. GRCh37 (hg19) VCF-style: chr11-108137924-C-A.
Other names: c.2493C>A, p.Asp831Glu (NM_001351834.2); short protein forms D831E.
Identifiers: ClinVar variation 3802240 (VCV003802240.1).